The following is an entry in ClinVar:

NM_001012614.2(CTBP1):c.1188G>A (p.Leu396=)

Genes: CTBP1 (C-terminal binding protein 1; minus strand), CTBP1-AS (CTBP1 antisense RNA; plus strand). Cytogenetic location: 4p16.3.
Variant type: single nucleotide variant.
Coding change: c.1188G>A on transcript NM_001012614.2 (MANE Select); coding-DNA position 1188, G replaced by A.
Protein change: p.Leu396=; no amino-acid change (leucine 396 retained).
Molecular consequence: synonymous variant. On other transcripts: non-coding transcript variant (1).
Genome position (GRCh38, 1-based): chr4:1,212,342, C>T on the plus strand (G>A on the coding strand, the complement: CTBP1 is on the minus strand). VCF-style: chr4-1212342-C-T. GRCh37 (hg19) VCF-style: chr4-1206130-C-T.
Other names: c.1221G>A, p.Leu407= (NM_001328.3); c.1224G>A, p.Leu408= (NM_001377186.1); c.1191G>A, p.Leu397= (NM_001377187.1, NM_001377188.1, NM_001377189.1 and 1 more transcripts); c.1188G>A, p.Leu396= (NM_001377191.1, NM_001377192.1, NM_001377193.1).
Identifiers: ClinVar variation 2191912 (VCV002191912.8), dbSNP rs750024621, ClinGen allele CA2804158.
Genomic context (GRCh38, chr4:1,212,342, plus strand): 5'-GACGGTTTGGCCAGGAGAAGGGGCGTGGGGCGGGTGGGCCACAGGGGGCAGGCCGTGGGA[C>T]AGGGACATGGCGCTGGGGACGATACCTTCCACAGCAGCTGGGATGCCAGTGGGGGCCACG-3'
Protein context (NP_001012632.1, residues 386-406): VEGIVPSAMS[Leu396=]SHGLPPVAHP

ClinVar aggregate classification (germline): Likely benign. Review status: criteria provided, multiple submitters, no conflicts (2 of 4 stars). 2 submissions from 2 submitters: Likely benign (2). Last evaluated 2026-01-01.

Allele frequency attached by ClinVar (database versions not stated): TOPMed 0.00003; ExAC 0.00012.
gnomAD v4.1: 10 of 1,519,244 alleles (0.00066%); highest among the groups gnomAD compares: Admixed American, 0.021%; no homozygotes.

Submissions (2):

CeGaT Center for Human Genetics Tuebingen
Classification: Likely benign. Last evaluated: 2026-01-01. Review status: criteria provided, single submitter. Criteria: CeGaT Center For Human Genetics Tuebingen Variant Classification Criteria Version 2. Collection method: clinical testing. Allele origin: germline. Affected: yes. Observed: 1 variant allele.
Comment: CTBP1: BP4, BP7

Labcorp Genetics (formerly Invitae), Labcorp
Classification: Likely benign. Last evaluated: 2025-02-10. Review status: criteria provided, single submitter. Criteria: Invitae Variant Classification Sherloc (09022015). Collection method: clinical testing. Allele origin: germline.